The following is an entry in ClinVar:

ClinVar aggregate classification (germline): Uncertain significance (1 of 4 stars; one submission).

Conditions:
Myasthenic syndrome, congenital, 22 (CMS22). Also called: PREPL DEFICIENCY. Identifiers: MedGen C4479088, MONDO:0044299, OMIM 616224.

Submission:

Labcorp Genetics (formerly Invitae), Labcorp
Classification: Uncertain significance for Myasthenic syndrome, congenital, 22. Last evaluated: 2023-07-10. Review status: criteria provided, single submitter. Criteria: Invitae Variant Classification Sherloc (09022015). Collection method: clinical testing. Allele origin: germline.
Comment: In summary, the available evidence is currently insufficient to determine the role of this variant in disease. Therefore, it has been classified as a Variant of Uncertain Significance. This sequence change replaces tryptophan, which is neutral and slightly polar, with arginine, which is basic and polar, at codon 502 of the PREPL protein (p.Trp502Arg). This variant is not present in population databases (gnomAD no frequency). This variant has not been reported in the literature in individuals affected with PREPL-related conditions. Advanced modeling of protein sequence and biophysical properties (such as structural, functional, and spatial information, amino acid conservation, physicochemical variation, residue mobility, and thermodynamic stability) has been performed at Invitae for this missense variant, however the output from this modeling did not meet the statistical confidence thresholds required to predict the impact of this variant on PREPL protein function.

NM_001171613.2(PREPL):c.1237T>C (p.Trp413Arg)

Gene: PREPL (prolyl endopeptidase like; minus strand). Cytogenetic location: 2p21.
Variant type: single nucleotide variant.
Coding change: c.1237T>C on transcript NM_001171613.2 (MANE Select); coding-DNA position 1237, T replaced by C.
Protein change: p.Trp413Arg; replaces tryptophan 413 with arginine.
Molecular consequence: missense variant.
Genome position (GRCh38, 1-based): chr2:44,328,962, A>G on the plus strand (T>C on the coding strand, the complement: PREPL is on the minus strand). VCF-style: chr2-44328962-A-G. GRCh37 (hg19) VCF-style: chr2-44556101-A-G.
Other names: c.1237T>C, p.Trp413Arg (NM_001374277.1, NM_001171617.1); c.1504T>C, p.Trp502Arg (NM_006036.4, NM_001171603.1, NM_001171606.2 and 2 more transcripts); c.1318T>C, p.Trp440Arg (NM_001042385.2); c.1306T>C, p.Trp436Arg (NM_001042386.2); short protein forms W440R, W413R, W436R, W502R.
Identifiers: ClinVar variation 2740808 (VCV002740808.3), dbSNP rs2466120758, ClinGen allele CA346690411.